The following is an entry in ClinVar:

NM_004006.3(DMD):c.5059A>G (p.Asn1687Asp)

Gene: DMD (dystrophin; minus strand). Cytogenetic location: Xp21.1.
Variant type: single nucleotide variant.
Coding change: c.5059A>G on transcript NM_004006.3 (MANE Select); coding-DNA position 5059, A replaced by G.
Protein change: p.Asn1687Asp; replaces asparagine 1687 with aspartic acid.
Molecular consequence: missense variant.
Genome position (GRCh38, 1-based): chrX:32,364,677, T>C on the plus strand (A>G on the coding strand, the complement: DMD is on the minus strand). VCF-style: chrX-32364677-T-C. GRCh37 (hg19) VCF-style: chrX-32382794-T-C.
Other names: c.5035A>G, p.Asn1679Asp (NM_000109.4); c.5047A>G, p.Asn1683Asp (NM_004009.3); c.4690A>G, p.Asn1564Asp (NM_004010.3); c.1036A>G, p.Asn346Asp (NM_004011.4); c.1027A>G, p.Asn343Asp (NM_004012.4); short protein forms N343D, N1564D, N1679D, N1683D, N1687D, N346D.
Identifiers: ClinVar variation 3634823 (VCV003634823.2).

ClinVar aggregate classification (germline): Uncertain significance (1 of 4 stars; one submission).

Conditions:
Duchenne muscular dystrophy (DMD). Also called: MUSCULAR DYSTROPHY, PSEUDOHYPERTROPHIC PROGRESSIVE, DUCHENNE TYPE; Duchenne Muscular Dystrophy (DMD). Identifiers: Orphanet 98896, MedGen C0013264, MONDO:0010679, OMIM 310200.

Submission:

Labcorp Genetics (formerly Invitae), Labcorp
Classification: Uncertain significance for Duchenne muscular dystrophy. Last evaluated: 2024-04-15. Review status: criteria provided, single submitter. Criteria: Invitae Variant Classification Sherloc (09022015). Collection method: clinical testing. Allele origin: germline.
Comment: This sequence change replaces asparagine, which is neutral and polar, with aspartic acid, which is acidic and polar, at codon 1687 of the DMD protein (p.Asn1687Asp). This variant is not present in population databases (gnomAD no frequency). This variant has not been reported in the literature in individuals affected with DMD-related conditions. Advanced modeling of protein sequence and biophysical properties (such as structural, functional, and spatial information, amino acid conservation, physicochemical variation, residue mobility, and thermodynamic stability) performed at Invitae indicates that this missense variant is not expected to disrupt DMD protein function with a negative predictive value of 95%. In summary, the available evidence is currently insufficient to determine the role of this variant in disease. Therefore, it has been classified as a Variant of Uncertain Significance.